The following is an entry in ClinVar:

NC_000001.10:g.(?_196695921)_(196697019_?)del

Gene: CFH (complement factor H; plus strand). Cytogenetic location: 1q31.3.
Variant type: Deletion.
Identifiers: ClinVar variation 2422552 (VCV002422552.4).

ClinVar aggregate classification (germline): Likely pathogenic (1 of 4 stars; one submission).

Submission:

Labcorp Genetics (formerly Invitae), Labcorp
Classification: Likely pathogenic. Last evaluated: 2022-08-23. Review status: criteria provided, single submitter. Criteria: Invitae Variant Classification Sherloc (09022015). Collection method: clinical testing. Allele origin: germline.
Comment: In summary, the currently available evidence indicates that the variant is pathogenic, but additional data are needed to prove that conclusively. Therefore, this variant has been classified as Likely Pathogenic. This variant has not been reported in the literature in individuals affected with CFH-related conditions. This variant results in the deletion of part of exon 14 (c.2087_2237-457delinsTGGAGAATCAC) of the CFH gene. It is expected to disrupt RNA splicing. Variants that disrupt the donor or acceptor splice site typically lead to a loss of protein function (PMID: 16199547), and loss-of-function variants in CFH are known to be pathogenic (PMID: 11170896, 14978182, 16621965, 23870792, 25188723).

Literature cited by the submitters: PubMed 16199547; PubMed 11170896; PubMed 14978182; PubMed 16621965; PubMed 23870792; PubMed 25188723.